The following is an entry in ClinVar:

ClinVar aggregate classification (germline): Conflicting classifications of pathogenicity. Review status: criteria provided, conflicting classifications (1 of 4 stars). 3 submissions from 3 submitters: Uncertain significance (2); Likely benign (1). Last evaluated 2024-11-01.

Conditions:
Congenital disorder of glycosylation (CDG). Also called: Carbohydrate-deficient glycoprotein syndrome; Congenital disorders of glycosylation. Identifiers: Orphanet 137, MedGen C0282577, MONDO:0015286.

Allele frequency attached by ClinVar (database versions not stated): 1000 Genomes Project 30x 0.00234; 1000 Genomes Project 0.00240; gnomAD 0.00390 and 0.00400; TOPMed 0.00396.

Submissions (3):

CeGaT Center for Human Genetics Tuebingen
Classification: Likely benign. Last evaluated: 2024-11-01. Review status: criteria provided, single submitter. Criteria: CeGaT Center For Human Genetics Tuebingen Variant Classification Criteria Version 2. Collection method: clinical testing. Allele origin: germline. Affected: yes. Observed: 4 variant alleles.
Comment: TUSC3: BS2

Illumina Laboratory Services, Illumina
Classification: Uncertain significance for Congenital disorder of glycosylation. Last evaluated: 2018-01-12. Review status: criteria provided, single submitter. Criteria: ICSL Variant Classification Criteria 13 December 2019. Collection method: clinical testing. Allele origin: germline.

Breakthrough Genomics
Classification: Uncertain significance. Review status: criteria provided, single submitter. Criteria: ACMG Guidelines, 2015. Collection method: not provided. Allele origin: germline. Inheritance: Autosomal recessive inheritance. Affected: yes.

NM_006765.4(TUSC3):c.*2397G>A

Gene: TUSC3 (tumor suppressor candidate 3; plus strand). Cytogenetic location: 8p22.
Variant type: single nucleotide variant.
Coding change: c.*2397G>A on transcript NM_006765.4 (MANE Select); 2397 bases downstream of the stop codon, G replaced by A.
Molecular consequence: 3 prime UTR variant.
Genome position (GRCh38, 1-based): chr8:15,766,553, G>A. VCF-style: chr8-15766553-G-A. GRCh37 (hg19) VCF-style: chr8-15624062-G-A.
Other names: c.*2335G>A (NM_178234.2).
Identifiers: ClinVar variation 911202 (VCV000911202.33), dbSNP rs141748006, ClinGen allele CA172843206.